The following is an entry in ClinVar:

NM_020745.4(AARS2):c.2133C>A (p.Arg711=)

Genes: AARS2 (alanyl-tRNA synthetase 2, mitochondrial; minus strand), POLR1C (RNA polymerase I and III subunit C; plus strand). Cytogenetic location: 6p21.1.
Variant type: single nucleotide variant.
Coding change: c.2133C>A on transcript NM_020745.4 (MANE Select); coding-DNA position 2133, C replaced by A.
Protein change: p.Arg711=; no amino-acid change (arginine 711 retained).
Molecular consequence: synonymous variant.
Genome position (GRCh38, 1-based): chr6:44,303,298, G>T on the plus strand (C>A on the coding strand, the complement: AARS2 is on the minus strand). VCF-style: chr6-44303298-G-T. GRCh37 (hg19) VCF-style: chr6-44271035-G-T.
Identifiers: ClinVar variation 508516 (VCV000508516.1), dbSNP rs1391642356, ClinGen allele CA450391006.

ClinVar aggregate classification (germline): Likely benign (1 of 4 stars; one submission).

Submission:

GeneDx
Classification: Likely benign. Last evaluated: 2017-04-03. Review status: criteria provided, single submitter. Criteria: GeneDx Variant Classification (06012015). Collection method: clinical testing. Allele origin: germline. Affected: yes.
Comment: This variant is considered likely benign or benign based on one or more of the following criteria: it is a conservative change, it occurs at a poorly conserved position in the protein, it is predicted to be benign by multiple in silico algorithms, and/or has population frequency not consistent with disease.